The following is an entry in ClinVar:

NM_152743.4(BRAT1):c.58A>T (p.Arg20Trp)

Gene: BRAT1 (BRCA1 associated ATM activator 1; minus strand). Cytogenetic location: 7p22.3.
Variant type: single nucleotide variant.
Coding change: c.58A>T on transcript NM_152743.4 (MANE Select); coding-DNA position 58, A replaced by T.
Protein change: p.Arg20Trp; replaces arginine 20 with tryptophan.
Molecular consequence: missense variant. On other transcripts: 5 prime UTR variant (1), non-coding transcript variant (1).
Genome position (GRCh38, 1-based): chr7:2,554,374, T>A on the plus strand (A>T on the coding strand, the complement: BRAT1 is on the minus strand). VCF-style: chr7-2554374-T-A. GRCh37 (hg19) VCF-style: chr7-2594008-T-A.
Other names: c.58A>T, p.Arg20Trp (NM_001350626.2); c.-320A>T (NM_001350627.2); short protein forms R20W.
Identifiers: ClinVar variation 1366281 (VCV001366281.3), dbSNP rs17856488, ClinGen allele CA4128329.

ClinVar aggregate classification (germline): Uncertain significance (1 of 4 stars; one submission).

Conditions:
Neonatal-onset encephalopathy with rigidity and seizures. Also called: Lethal neonatal spasticity-epileptic encephalopathy syndrome. Identifiers: Orphanet 435845, MedGen C3281029, MONDO:0013784, OMIM 614498.

Allele frequency attached by ClinVar (database versions not stated): gnomAD 0.00001; gnomAD exomes 0.00001 and 0.00002; ExAC 0.00002; TOPMed 0.00002.

Submission:

Labcorp Genetics (formerly Invitae), Labcorp
Classification: Uncertain significance for Neonatal-onset encephalopathy with rigidity and seizures. Last evaluated: 2021-11-21. Review status: criteria provided, single submitter. Criteria: Invitae Variant Classification Sherloc (09022015). Collection method: clinical testing. Allele origin: germline.
Comment: This sequence change replaces arginine, which is basic and polar, with tryptophan, which is neutral and slightly polar, at codon 20 of the BRAT1 protein (p.Arg20Trp). This variant is present in population databases (rs17856488, gnomAD 0.01%). This variant has not been reported in the literature in individuals affected with BRAT1-related conditions. Algorithms developed to predict the effect of missense changes on protein structure and function (SIFT, PolyPhen-2, Align-GVGD) all suggest that this variant is likely to be disruptive. In summary, the available evidence is currently insufficient to determine the role of this variant in disease. Therefore, it has been classified as a Variant of Uncertain Significance.